The following is an entry in ClinVar:

NM_019066.5(MAGEL2):c.279C>T (p.Pro93=)

Gene: MAGEL2 (MAGE family member L2; minus strand). Cytogenetic location: 15q11.2.
Variant type: single nucleotide variant.
Coding change: c.279C>T on transcript NM_019066.5 (MANE Select); coding-DNA position 279, C replaced by T.
Protein change: p.Pro93=; no amino-acid change (proline 93 retained).
Molecular consequence: synonymous variant.
Genome position (GRCh38, 1-based): chr15:23,647,464, G>A on the plus strand (C>T on the coding strand, the complement: MAGEL2 is on the minus strand). VCF-style: chr15-23647464-G-A. GRCh37 (hg19) VCF-style: chr15-23892611-G-A.
Identifiers: ClinVar variation 3694780 (VCV003694780.2).
Genomic context (GRCh38, chr15:23,647,464, plus strand): 5'-TGGAGGATGCACCATCAGGACCCCGGGAGTCGGAGGCTTACCCATCGGGCCCCCCAGCGG[G>A]GGAGCCGGGACTATCGGGCCCCCTAGGGCAGGAGGCTGGGTCATCGGAACCACCGGGGCG-3'
Protein context (NP_061939.3, residues 83-103): PALGGPIVPA[Pro93=]PLGGPMGKPP

ClinVar aggregate classification (germline): Uncertain significance (1 of 4 stars; one submission).

Submission:

Labcorp Genetics (formerly Invitae), Labcorp
Classification: Uncertain significance. Last evaluated: 2025-06-05. Review status: criteria provided, single submitter. Criteria: Invitae Variant Classification Sherloc (09022015). Collection method: clinical testing. Allele origin: germline.
Comment: This sequence change affects codon 93 of the MAGEL2 mRNA. It is a 'silent' change, meaning that it does not change the encoded amino acid sequence of the MAGEL2 protein. This variant is not present in population databases (gnomAD no frequency). This variant has not been reported in the literature in individuals affected with MAGEL2-related conditions. ClinVar contains an entry for this variant (Variation ID: 3694780). In summary, the available evidence is currently insufficient to determine the role of this variant in disease. Therefore, it has been classified as a Variant of Uncertain Significance.